The following is an entry in ClinVar:

NM_198282.4(STING1):c.1006G>A (p.Glu336Lys)

Gene: STING1 (stimulator of interferon response cGAMP interactor 1; minus strand). Cytogenetic location: 5q31.2.
Variant type: single nucleotide variant.
Coding change: c.1006G>A on transcript NM_198282.4 (MANE Select); coding-DNA position 1006, G replaced by A.
Protein change: p.Glu336Lys; replaces glutamic acid 336 with lysine.
Molecular consequence: missense variant. On other transcripts: synonymous variant (1).
Genome position (GRCh38, 1-based): chr5:139,476,395, C>T on the plus strand (G>A on the coding strand, the complement: STING1 is on the minus strand). VCF-style: chr5-139476395-C-T. GRCh37 (hg19) VCF-style: chr5-138855980-C-T.
Other names: c.819G>A, p.Arg273= (NM_001301738.2); c.649G>A, p.Glu217Lys (NM_001367258.1); c.1006G>A (NM_198282.2); short protein forms E217K, E336K.
Identifiers: ClinVar variation 1680236 (VCV001680236.9), dbSNP rs1268179693, ClinGen allele CA361479253.

ClinVar aggregate classification (germline): Uncertain significance. Review status: criteria provided, multiple submitters, no conflicts (2 of 4 stars). 2 submissions from 2 submitters: Uncertain significance (2). Last evaluated 2025-08-31.

Conditions:
Inborn genetic diseases. Identifiers: MedGen C0950123, MeSH D030342.
STING-associated vasculopathy with onset in infancy. Also called: Sting-associated vasculopathy, infantile-onset. Identifiers: Orphanet 425120, MedGen C4014722, MONDO:0014405, OMIM 615934.

Allele frequency attached by ClinVar (database versions not stated): TOPMed 0.00002; gnomAD 0.00002; gnomAD exomes below 0.00001.
gnomAD v4.1: 4 of 1,612,536 alleles (0.00025%); highest among the groups gnomAD compares: Admixed American, 0.0033%; no homozygotes.

Submissions (2):

Ambry Genetics
Classification: Uncertain significance for Inborn genetic diseases. Last evaluated: 2025-08-31. Review status: criteria provided, single submitter. Criteria: Ambry Variant Classification Scheme 2023. Collection method: clinical testing. Allele origin: germline.

Labcorp Genetics (formerly Invitae), Labcorp
Classification: Uncertain significance for STING-associated vasculopathy with onset in infancy. Last evaluated: 2025-05-01. Review status: criteria provided, single submitter. Criteria: Invitae Variant Classification Sherloc (09022015). Collection method: clinical testing. Allele origin: germline.
Comment: This sequence change replaces glutamic acid, which is acidic and polar, with lysine, which is basic and polar, at codon 336 of the TMEM173 protein (p.Glu336Lys). This variant is present in population databases (no rsID available, gnomAD 0.004%). This variant has not been reported in the literature in individuals affected with TMEM173-related conditions. ClinVar contains an entry for this variant (Variation ID: 1680236). Invitae Evidence Modeling of protein sequence and biophysical properties (such as structural, functional, and spatial information, amino acid conservation, physicochemical variation, residue mobility, and thermodynamic stability) indicates that this missense variant is expected to disrupt TMEM173 protein function with a positive predictive value of 80%. In summary, the available evidence is currently insufficient to determine the role of this variant in disease. Therefore, it has been classified as a Variant of Uncertain Significance.